The following is an entry in ClinVar:

NM_006623.4(PHGDH):c.1438A>G (p.Thr480Ala)

Gene: PHGDH (phosphoglycerate dehydrogenase; plus strand). Cytogenetic location: 1p12.
Variant type: single nucleotide variant.
Coding change: c.1438A>G on transcript NM_006623.4 (MANE Select); coding-DNA position 1438, A replaced by G.
Protein change: p.Thr480Ala; replaces threonine 480 with alanine.
Molecular consequence: missense variant.
Genome position (GRCh38, 1-based): chr1:119,743,035, A>G. VCF-style: chr1-119743035-A-G. GRCh37 (hg19) VCF-style: chr1-120285658-A-G.
Other names: c.1438A>G (NM_006623.3); short protein forms T480A.
Identifiers: ClinVar variation 2166332 (VCV002166332.5), dbSNP rs1652287175, ClinGen allele CA341853998.

ClinVar aggregate classification (germline): Uncertain significance. Review status: criteria provided, multiple submitters, no conflicts (2 of 4 stars). 2 submissions from 2 submitters: Uncertain significance (2). Last evaluated 2024-11-11.

Conditions:
Inborn genetic diseases. Identifiers: MedGen C0950123, MeSH D030342.
PHGDH deficiency. Identifiers: Orphanet 79351, MedGen C1866174, MONDO:0011152, OMIM 601815.

Allele frequency attached by ClinVar (database versions not stated): gnomAD exomes below 0.00001; TOPMed below 0.00001.
gnomAD v4.1: 2 of 1,607,294 alleles (0.00012%); highest among the groups gnomAD compares: East Asian, 0.0022%; no homozygotes.

Submissions (2):

Ambry Genetics
Classification: Uncertain significance for Inborn genetic diseases. Last evaluated: 2024-11-11. Review status: criteria provided, single submitter. Criteria: Ambry Variant Classification Scheme 2023. Collection method: clinical testing. Allele origin: germline.

Labcorp Genetics (formerly Invitae), Labcorp
Classification: Uncertain significance for PHGDH deficiency. Last evaluated: 2022-12-24. Review status: criteria provided, single submitter. Criteria: Invitae Variant Classification Sherloc (09022015). Collection method: clinical testing. Allele origin: germline.
Comment: This sequence change replaces threonine, which is neutral and polar, with alanine, which is neutral and non-polar, at codon 480 of the PHGDH protein (p.Thr480Ala). In summary, the available evidence is currently insufficient to determine the role of this variant in disease. Therefore, it has been classified as a Variant of Uncertain Significance. Advanced modeling of protein sequence and biophysical properties (such as structural, functional, and spatial information, amino acid conservation, physicochemical variation, residue mobility, and thermodynamic stability) performed at Invitae indicates that this missense variant is not expected to disrupt PHGDH protein function. This variant has not been reported in the literature in individuals affected with PHGDH-related conditions. This variant is not present in population databases (gnomAD no frequency).